The following is an entry in ClinVar:

NM_001291415.2(KDM6A):c.1581+1G>T

Gene: KDM6A (lysine demethylase 6A; plus strand). Cytogenetic location: Xp11.3.
Variant type: single nucleotide variant.
Coding change: c.1581+1G>T on transcript NM_001291415.2 (MANE Select); the canonical splice donor site of the intron after coding-DNA position 1581, G replaced by T.
Molecular consequence: splice donor variant.
Genome position (GRCh38, 1-based): chrX:45,061,420, G>T. VCF-style: chrX-45061420-G-T. GRCh37 (hg19) VCF-style: chrX-44920665-G-T.
Other names: c.1425+1G>T (NM_021140.4, NM_001410742.1); c.1446+1G>T (NM_001291416.2); c.1290+1G>T (NM_001291417.2, NM_001291418.2); c.537+1G>T (NM_001291421.2).
Identifiers: ClinVar variation 654686 (VCV000654686.6), dbSNP rs1602799769, ClinGen allele CA412785336.

ClinVar aggregate classification (germline): Likely pathogenic. Review status: criteria provided, multiple submitters, no conflicts (2 of 4 stars). 2 submissions from 2 submitters: Likely pathogenic (2). Last evaluated 2024-11-12.

Conditions:
Kabuki syndrome 2 (KABUK2). Also called: KDM6A-Related Kabuki Syndrome. Identifiers: Orphanet 2322, MedGen C3275495, MONDO:0010465, OMIM 300867.

Submissions (2):

GeneDx
Classification: Likely pathogenic. Last evaluated: 2024-11-12. Review status: criteria provided, single submitter. Criteria: GeneDx Variant Classification Process June 2021. Collection method: clinical testing. Allele origin: germline.
Comment: Canonical splice site variant predicted to result in an in-frame loss of the adjacent exon in a gene for which loss of function is a known mechanism of disease; Not observed at significant frequency in large population cohorts (gnomAD); Has not been previously published as pathogenic or benign to our knowledge

Labcorp Genetics (formerly Invitae), Labcorp
Classification: Likely pathogenic for Kabuki syndrome 2. Last evaluated: 2021-08-31. Review status: criteria provided, single submitter. Criteria: Invitae Variant Classification Sherloc (09022015). Collection method: clinical testing. Allele origin: germline.